The following is an entry in ClinVar:

ClinVar aggregate classification (germline): Uncertain significance (1 of 4 stars; one submission).

Conditions:
Cardiovascular phenotype. Identifiers: MedGen CN230736.

Submission:

Ambry Genetics
Classification: Uncertain significance for Cardiovascular phenotype. Last evaluated: 2026-03-12. Review status: criteria provided, single submitter. Criteria: Ambry Variant Classification Scheme 2023. Collection method: clinical testing. Allele origin: germline.
Comment: The p.S3252R variant (also known as c.9756C>G), located in coding exon 2 of the ZNF469 gene, results from a C to G substitution at nucleotide position 9756. The serine at codon 3252 is replaced by arginine, an amino acid with dissimilar properties. This amino acid position is conserved. In addition, this alteration is predicted to be tolerated by in silico analysis. Based on the available evidence, the clinical significance of this variant remains unclear.

NM_001127464.1:c.9756C>G

Gene: ZNF469 (zinc finger protein 469; plus strand).
Variant type: single nucleotide variant.
Identifiers: ClinVar variation 4826340 (VCV004826340.1).